The following is an entry in ClinVar:

ClinVar aggregate classification (germline): Uncertain significance (1 of 4 stars; one submission).

Conditions:
Holoprosencephaly sequence (HPE). Also called: Holoprosencephaly. Identifiers: Orphanet 2162, MedGen C0079541, MONDO:0016296, HP:0001360.

Allele frequency attached by ClinVar (database versions not stated): gnomAD exomes 0.00001; ExAC 0.00002; gnomAD 0.00003.

Submission:

Labcorp Genetics (formerly Invitae), Labcorp
Classification: Uncertain significance for Holoprosencephaly sequence. Last evaluated: 2022-07-19. Review status: criteria provided, single submitter. Criteria: Invitae Variant Classification Sherloc (09022015). Collection method: clinical testing. Allele origin: germline.
Comment: Algorithms developed to predict the effect of missense changes on protein structure and function output the following: SIFT: "Tolerated"; PolyPhen-2: "Benign"; Align-GVGD: "Class C0". The serine amino acid residue is found in multiple mammalian species, which suggests that this missense change does not adversely affect protein function. In summary, the available evidence is currently insufficient to determine the role of this variant in disease. Therefore, it has been classified as a Variant of Uncertain Significance. ClinVar contains an entry for this variant (Variation ID: 1398925). This variant has not been reported in the literature in individuals affected with FOXH1-related conditions. The frequency data for this variant in the population databases is considered unreliable, as metrics indicate poor data quality at this position in the gnomAD database. This sequence change replaces proline, which is neutral and non-polar, with serine, which is neutral and polar, at codon 320 of the FOXH1 protein (p.Pro320Ser).

NM_003923.3(FOXH1):c.958C>T (p.Pro320Ser)

Gene: FOXH1 (forkhead box H1; minus strand). Cytogenetic location: 8q24.3.
Variant type: single nucleotide variant.
Coding change: c.958C>T on transcript NM_003923.3 (MANE Select); coding-DNA position 958, C replaced by T.
Protein change: p.Pro320Ser; replaces proline 320 with serine.
Molecular consequence: missense variant.
Genome position (GRCh38, 1-based): chr8:144,474,378, G>A on the plus strand (C>T on the coding strand, the complement: FOXH1 is on the minus strand). VCF-style: chr8-144474378-G-A. GRCh37 (hg19) VCF-style: chr8-145699761-G-A.
Other names: short protein forms P320S.
Identifiers: ClinVar variation 1398925 (VCV001398925.8), dbSNP rs761520666, ClinGen allele CA4945391.